The following is an entry in ClinVar:

ClinVar aggregate classification (germline): Uncertain significance. Review status: criteria provided, multiple submitters, no conflicts (2 of 4 stars). 2 submissions from 2 submitters: Uncertain significance (2). Last evaluated 2024-02-12.

Conditions:
Early-infantile DEE. Also called: Ohtahara syndrome; Early infantile epileptic encephalopathy; Early infantile epileptic encephalopathy with suppression bursts. Identifiers: Orphanet 1934, MedGen C0393706, MONDO:0800491.

Allele frequency attached by ClinVar (database versions not stated): TOPMed below 0.00001.

Submissions (2):

GeneDx
Classification: Uncertain significance. Last evaluated: 2024-02-12. Review status: criteria provided, single submitter. Criteria: GeneDx Variant Classification Process June 2021. Collection method: clinical testing. Allele origin: germline. Affected: yes.
Comment: Not observed at significant frequency in large population cohorts (gnomAD); In silico analysis supports that this missense variant does not alter protein structure/function; Has not been previously published as pathogenic or benign to our knowledge

Labcorp Genetics (formerly Invitae), Labcorp
Classification: Uncertain significance for Early-infantile DEE. Last evaluated: 2023-06-02. Review status: criteria provided, single submitter. Criteria: Invitae Variant Classification Sherloc (09022015). Collection method: clinical testing. Allele origin: germline.
Comment: This sequence change replaces glycine, which is neutral and non-polar, with valine, which is neutral and non-polar, at codon 1177 of the SPTAN1 protein (p.Gly1177Val). This variant is not present in population databases (gnomAD no frequency). This variant has not been reported in the literature in individuals affected with SPTAN1-related conditions. Advanced modeling of protein sequence and biophysical properties (such as structural, functional, and spatial information, amino acid conservation, physicochemical variation, residue mobility, and thermodynamic stability) has been performed at Invitae for this missense variant, however the output from this modeling did not meet the statistical confidence thresholds required to predict the impact of this variant on SPTAN1 protein function. In summary, the available evidence is currently insufficient to determine the role of this variant in disease. Therefore, it has been classified as a Variant of Uncertain Significance.

NM_001130438.3(SPTAN1):c.3530G>T (p.Gly1177Val)

Gene: SPTAN1 (spectrin alpha, non-erythrocytic 1; plus strand). Cytogenetic location: 9q34.11.
Variant type: single nucleotide variant.
Coding change: c.3530G>T on transcript NM_001130438.3 (MANE Select); coding-DNA position 3530, G replaced by T.
Protein change: p.Gly1177Val; replaces glycine 1177 with valine.
Molecular consequence: missense variant.
Genome position (GRCh38, 1-based): chr9:128,598,973, G>T. VCF-style: chr9-128598973-G-T. GRCh37 (hg19) VCF-style: chr9-131361252-G-T.
Other names: c.3470G>T, p.Gly1157Val (NM_001195532.2, NM_001363765.2, NM_001375314.2); c.3530G>T, p.Gly1177Val (NM_001363759.2, NM_001375310.1, NM_001375311.2 and 2 more transcripts); c.3566G>T, p.Gly1189Val (NM_001375312.2, NM_001375318.1); c.3530G>T (NM_001130438.2); short protein forms G1157V, G1177V, G1189V.
Identifiers: ClinVar variation 2756392 (VCV002756392.4), dbSNP rs1414224941, ClinGen allele CA375062555.